The following is an entry in ClinVar:

ClinVar aggregate classification (germline): Uncertain significance (1 of 4 stars; one submission).

Conditions:
Congenital disorder of glycosylation, type Iaa. Also called: Congenital disorder of glycosylation, type 1aa. Identifiers: MedGen C4310727, MONDO:0014904, OMIM 617082.

Allele frequency attached by ClinVar (database versions not stated): gnomAD exomes below 0.00001.
gnomAD v4.1: 1 of 1,602,462 alleles (0.000062%); highest among the groups gnomAD compares: South Asian, 0.0011%; no homozygotes.

Submission:

Labcorp Genetics (formerly Invitae), Labcorp
Classification: Uncertain significance for Congenital disorder of glycosylation, type Iaa. Last evaluated: 2023-06-27. Review status: criteria provided, single submitter. Criteria: Invitae Variant Classification Sherloc (09022015). Collection method: clinical testing. Allele origin: germline.
Comment: In summary, the available evidence is currently insufficient to determine the role of this variant in disease. Therefore, it has been classified as a Variant of Uncertain Significance. This sequence change replaces isoleucine, which is neutral and non-polar, with valine, which is neutral and non-polar, at codon 140 of the NUS1 protein (p.Ile140Val). This variant is not present in population databases (gnomAD no frequency). This variant has not been reported in the literature in individuals affected with NUS1-related conditions. An algorithm developed to predict the effect of missense changes on protein structure and function (PolyPhen-2) suggests that this variant is likely to be tolerated.

NM_138459.5(NUS1):c.418A>G (p.Ile140Val)

Gene: NUS1 (NUS1 dehydrodolichyl diphosphate synthase subunit; plus strand). Cytogenetic location: 6q22.1.
Variant type: single nucleotide variant.
Coding change: c.418A>G on transcript NM_138459.5 (MANE Select); coding-DNA position 418, A replaced by G.
Protein change: p.Ile140Val; replaces isoleucine 140 with valine.
Molecular consequence: missense variant.
Genome position (GRCh38, 1-based): chr6:117,693,044, A>G. VCF-style: chr6-117693044-A-G. GRCh37 (hg19) VCF-style: chr6-118014207-A-G.
Other names: short protein forms I140V.
Identifiers: ClinVar variation 2719066 (VCV002719066.3), dbSNP rs2482014003, ClinGen allele CA365536601.